The following is an entry in ClinVar:

NM_001378120.1(MBD5):c.2558C>T (p.Thr853Ile)

Gene: MBD5 (methyl-CpG binding domain protein 5; plus strand). Cytogenetic location: 2q23.1.
Variant type: single nucleotide variant.
Coding change: c.2558C>T on transcript NM_001378120.1 (MANE Select); coding-DNA position 2558, C replaced by T.
Protein change: p.Thr853Ile; replaces threonine 853 with isoleucine.
Molecular consequence: missense variant.
Genome position (GRCh38, 1-based): chr2:148,483,149, C>T. VCF-style: chr2-148483149-C-T. GRCh37 (hg19) VCF-style: chr2-149240718-C-T.
Other names: c.2558C>T (NM_018328.4); c.2558C>T, p.Thr853Ile (NM_018328.5); short protein forms T853I.
Identifiers: ClinVar variation 1010056 (VCV001010056.12), dbSNP rs780490918, ClinGen allele CA1900193.
Genomic context (GRCh38, chr2:148,483,149, plus strand): 5'-TTTTTTTTTTTTTCATTTTAGGCGGTTCAGGACCATCATCCTCCATAGCCATAGCGGGCA[C>T]CAACCACCCTGCCATCACAAAGACAACATCTGTTCTTCAAGATGGCGTCATAGTCACCAC-3'
Protein context (NP_001365049.1, residues 843-863): GPSSSIAIAG[Thr853Ile]NHPAITKTTS

ClinVar aggregate classification (germline): Conflicting classifications of pathogenicity. Review status: criteria provided, conflicting classifications (1 of 4 stars). 2 submissions from 2 submitters: Uncertain significance (1); Likely benign (1). Last evaluated 2024-07-29.

Conditions:
Inborn genetic diseases. Identifiers: MedGen C0950123, MeSH D030342.
Intellectual developmental disorder, autosomal dominant 1. Also called: Intellectual disability, autosomal dominant 1; MBD5 Haploinsufficiency. Identifiers: Orphanet 228402, MedGen C1969562, MONDO:0007974, OMIM 156200.

Allele frequency attached by ClinVar (database versions not stated): gnomAD exomes 0.00001; ExAC 0.00001.
gnomAD v4.1: 3 of 1,612,896 alleles (0.00019%); highest among the groups gnomAD compares: Admixed American, 0.0033%; no homozygotes.

Submissions (2):

Labcorp Genetics (formerly Invitae), Labcorp
Classification: Uncertain significance for Intellectual developmental disorder, autosomal dominant 1. Last evaluated: 2024-07-29. Review status: criteria provided, single submitter. Criteria: Invitae Variant Classification Sherloc (09022015). Collection method: clinical testing. Allele origin: germline.
Comment: This sequence change replaces threonine, which is neutral and polar, with isoleucine, which is neutral and non-polar, at codon 853 of the MBD5 protein (p.Thr853Ile). This variant is present in population databases (rs780490918, gnomAD 0.006%). This variant has not been reported in the literature in individuals affected with MBD5-related conditions. ClinVar contains an entry for this variant (Variation ID: 1010056). Advanced modeling of protein sequence and biophysical properties (such as structural, functional, and spatial information, amino acid conservation, physicochemical variation, residue mobility, and thermodynamic stability) performed at Invitae indicates that this missense variant is not expected to disrupt MBD5 protein function with a negative predictive value of 80%. In summary, the available evidence is currently insufficient to determine the role of this variant in disease. Therefore, it has been classified as a Variant of Uncertain Significance.

Ambry Genetics
Classification: Likely benign for Inborn genetic diseases. Last evaluated: 2022-07-12. Review status: criteria provided, single submitter. Criteria: Ambry Variant Classification Scheme 2023. Collection method: clinical testing. Allele origin: germline.